The following is an entry in ClinVar:

ClinVar aggregate classification (germline): Likely benign (1 of 4 stars; one submission).

Submission:

CeGaT Center for Human Genetics Tuebingen
Classification: Likely benign. Last evaluated: 2026-05-01. Review status: criteria provided, single submitter. Criteria: CeGaT Center For Human Genetics Tuebingen Variant Classification Criteria Version 2. Collection method: clinical testing. Allele origin: germline. Affected: yes. Observed: 3 variant alleles.
Comment: BTBD17: PM2:Supporting, BP4, BP7

NM_001080466.2(BTBD17):c.972G>T (p.Pro324=)

Gene: BTBD17 (BTB domain containing 17; minus strand). Cytogenetic location: 17q25.1.
Variant type: single nucleotide variant.
Coding change: c.972G>T on transcript NM_001080466.2 (MANE Select); coding-DNA position 972, G replaced by T.
Protein change: p.Pro324=; no amino-acid change (proline 324 retained).
Molecular consequence: synonymous variant.
Genome position (GRCh38, 1-based): chr17:74,357,122, C>A on the plus strand (G>T on the coding strand, the complement: BTBD17 is on the minus strand). VCF-style: chr17-74357122-C-A. GRCh37 (hg19) VCF-style: chr17-72353261-C-A.
Identifiers: ClinVar variation 4084363 (VCV004084363.8).